The following is an entry in ClinVar:

NM_001035.3(RYR2):c.4115A>G (p.Asn1372Ser)

Genes: RYR2 (ryanodine receptor 2; plus strand), LOC126806067 (BRD4-independent group 4 enhancer GRCh37_chr1:237753258-237754457; plus strand). Cytogenetic location: 1q43.
Variant type: single nucleotide variant.
Coding change: c.4115A>G on transcript NM_001035.3 (MANE Select); coding-DNA position 4115, A replaced by G.
Protein change: p.Asn1372Ser; replaces asparagine 1372 with serine.
Molecular consequence: missense variant.
Genome position (GRCh38, 1-based): chr1:237,590,947, A>G. VCF-style: chr1-237590947-A-G. GRCh37 (hg19) VCF-style: chr1-237754247-A-G.
Other names: short protein forms N1372S.
Identifiers: ClinVar variation 3070469 (VCV003070469.1), dbSNP rs773452072, ClinGen allele CA086535.

ClinVar aggregate classification (germline): Uncertain significance (1 of 4 stars; one submission).

Conditions:
Catecholaminergic polymorphic ventricular tachycardia (CVPT). Also called: Catecholamine-induced polymorphic ventricular tachycardia. Identifiers: Orphanet 3286, MedGen C5574922, MONDO:0017990.

Allele frequency attached by ClinVar (database versions not stated): gnomAD exomes below 0.00001; ExAC 0.00001.
gnomAD v4.1: 1 of 1,613,726 alleles (0.000062%); highest among the groups gnomAD compares: East Asian, 0.0022%; no homozygotes.

Submission:

All of Us Research Program, National Institutes of Health
Classification: Uncertain significance for Catecholaminergic polymorphic ventricular tachycardia. Last evaluated: 2023-04-27. Review status: criteria provided, single submitter. Criteria: ACMG Guidelines, 2015. Collection method: clinical testing. Allele origin: germline. Inheritance: Autosomal dominant inheritance. Observed: 1 variant allele, 1 heterozygote.
Comment: This study involves interpretation of variants in research participants for the purpose of population health screening. Participant phenotype was not available at the time of variant classification. Additional details can be found in publication PMID: 35346344, PMCID: PMC8962531